The following is an entry in ClinVar:

NM_005068.3(SIM1):c.1965A>T (p.Leu655=)

Gene: SIM1 (SIM bHLH transcription factor 1; minus strand). Cytogenetic location: 6q16.3.
Variant type: single nucleotide variant.
Coding change: c.1965A>T on transcript NM_005068.3 (MANE Select); coding-DNA position 1965, A replaced by T.
Protein change: p.Leu655=; no amino-acid change (leucine 655 retained).
Molecular consequence: synonymous variant.
Genome position (GRCh38, 1-based): chr6:100,390,697, T>A on the plus strand (A>T on the coding strand, the complement: SIM1 is on the minus strand). VCF-style: chr6-100390697-T-A. GRCh37 (hg19) VCF-style: chr6-100838573-T-A.
Other names: c.1965A>T, p.Leu655= (NM_001374769.1).
Identifiers: ClinVar variation 4988228 (VCV004988228.1).

ClinVar aggregate classification (germline): Likely benign (1 of 4 stars; one submission).

Conditions:
SIM1-related disorder. Also called: SIM1-related disorders; SIM1-related condition.

gnomAD v4.1: 9 of 1,614,014 alleles (0.00056%); highest among the groups gnomAD compares: African/African-American, 0.012%; no homozygotes.

Submission:

PreventionGenetics, part of Exact Sciences
Classification: Likely benign for SIM1-related condition. Last evaluated: 2025-05-29. Review status: criteria provided, single submitter. Criteria: ACMG Guidelines, 2015. Collection method: clinical testing. Allele origin: germline.
Comment: This variant is classified as likely benign based on ACMG/AMP sequence variant interpretation guidelines (Richards et al. 2015 PMID: 25741868, with internal and published modifications).